The following is an entry in ClinVar:

NM_004456.5(EZH2):c.106G>A (p.Asp36Asn)

Gene: EZH2 (enhancer of zeste 2 polycomb repressive complex 2 subunit; minus strand). Cytogenetic location: 7q36.1.
Variant type: single nucleotide variant.
Coding change: c.106G>A on transcript NM_004456.5 (MANE Select); coding-DNA position 106, G replaced by A.
Protein change: p.Asp36Asn; replaces aspartic acid 36 with asparagine.
Molecular consequence: missense variant.
Genome position (GRCh38, 1-based): chr7:148,847,193, C>T on the plus strand (G>A on the coding strand, the complement: EZH2 is on the minus strand). VCF-style: chr7-148847193-C-T. GRCh37 (hg19) VCF-style: chr7-148544285-C-T.
Other names: c.106G>A, p.Asp36Asn (NM_001203247.2, NM_001203248.2, NM_001203249.2 and 1 more transcripts); short protein forms D36N.
Identifiers: ClinVar variation 3897528 (VCV003897528.1).

ClinVar aggregate classification (germline): Uncertain significance (1 of 4 stars; one submission).

Submission:

GeneDx
Classification: Uncertain significance. Last evaluated: 2024-10-31. Review status: criteria provided, single submitter. Criteria: GeneDx Variant Classification Process June 2021. Collection method: clinical testing. Allele origin: germline. Affected: yes.
Comment: Not observed at significant frequency in large population cohorts (gnomAD); In silico analysis supports that this missense variant has a deleterious effect on protein structure/function; Has not been previously published as pathogenic or benign to our knowledge